The following is an entry in ClinVar:

ClinVar aggregate classification (germline): Conflicting classifications of pathogenicity. Review status: criteria provided, conflicting classifications (1 of 4 stars). 3 submissions from 3 submitters: Uncertain significance (1); Likely benign (2). Last evaluated 2026-01-05.

Allele frequency attached by ClinVar (database versions not stated): ESP Exome Variant Server 0.00008; gnomAD exomes 0.00012; ExAC 0.00013; gnomAD 0.00031; TOPMed 0.00050; 1000 Genomes Project 0.00080; 1000 Genomes Project 30x 0.00094.
gnomAD v4.1: 266 of 1,614,122 alleles (0.016%); highest among the groups gnomAD compares: Middle Eastern, 0.18%; no homozygotes.

Submissions (3):

Labcorp Genetics (formerly Invitae), Labcorp
Classification: Uncertain significance. Last evaluated: 2026-01-05. Review status: criteria provided, single submitter. Criteria: Invitae Variant Classification Sherloc (09022015). Collection method: clinical testing. Allele origin: germline.
Comment: This sequence change replaces methionine, which is neutral and non-polar, with isoleucine, which is neutral and non-polar, at codon 355 of the ARHGAP24 protein (p.Met355Ile). This variant is present in population databases (rs141564681, gnomAD 0.05%), and has an allele count higher than expected for a pathogenic variant. This variant has not been reported in the literature in individuals affected with ARHGAP24-related conditions. ClinVar contains an entry for this variant (Variation ID: 2148819). An algorithm developed to predict the effect of missense changes on protein structure and function (PolyPhen-2) suggests that this variant is likely to be tolerated. In summary, the available evidence is currently insufficient to determine the role of this variant in disease. Therefore, it has been classified as a Variant of Uncertain Significance.

Ambry Genetics
Classification: Likely benign. Last evaluated: 2025-08-04. Review status: criteria provided, single submitter. Criteria: Ambry Variant Classification Scheme 2023. Collection method: clinical testing. Allele origin: germline.

CeGaT Center for Human Genetics Tuebingen
Classification: Likely benign. Last evaluated: 2023-04-01. Review status: criteria provided, single submitter. Criteria: CeGaT Center For Human Genetics Tuebingen Variant Classification Criteria Version 2. Collection method: clinical testing. Allele origin: germline. Affected: yes. Observed: 1 variant allele.
Comment: ARHGAP24: BP4

NM_001025616.3(ARHGAP24):c.1065G>A (p.Met355Ile)

Gene: ARHGAP24 (Rho GTPase activating protein 24; plus strand). Cytogenetic location: 4q21.23.
Variant type: single nucleotide variant.
Coding change: c.1065G>A on transcript NM_001025616.3 (MANE Select); coding-DNA position 1065, G replaced by A.
Protein change: p.Met355Ile; replaces methionine 355 with isoleucine.
Molecular consequence: missense variant.
Genome position (GRCh38, 1-based): chr4:85,994,719, G>A. VCF-style: chr4-85994719-G-A. GRCh37 (hg19) VCF-style: chr4-86915872-G-A.
Other names: c.780G>A, p.Met260Ile (NM_001042669.2); c.810G>A, p.Met270Ile (NM_001287805.2); c.486G>A, p.Met162Ile (NM_001346093.2); c.786G>A, p.Met262Ile (NM_031305.3); c.1065G>A (NM_001025616.2); short protein forms M270I, M162I, M262I, M260I, M355I.
Identifiers: ClinVar variation 2148819 (VCV002148819.32), dbSNP rs141564681, ClinGen allele CA2994665.